The following is an entry in ClinVar:

ClinVar aggregate classification (germline): Uncertain significance. Review status: criteria provided, multiple submitters, no conflicts (2 of 4 stars). 2 submissions from 2 submitters: Uncertain significance (2). Last evaluated 2025-01-09.

Conditions:
Inborn genetic diseases. Identifiers: MedGen C0950123, MeSH D030342.

Allele frequency attached by ClinVar (database versions not stated): TOPMed below 0.00001; ExAC 0.00005; 1000 Genomes Project 0.00020; 1000 Genomes Project 30x 0.00031.
gnomAD v4.1: 47 of 1,612,970 alleles (0.0029%); highest among the groups gnomAD compares: South Asian, 0.046%; no homozygotes.

Submissions (2):

GeneDx
Classification: Uncertain significance. Last evaluated: 2025-01-09. Review status: criteria provided, single submitter. Criteria: GeneDx Variant Classification Process June 2021. Collection method: clinical testing. Allele origin: germline. Affected: yes.
Comment: In silico analysis supports that this missense variant has a deleterious effect on protein structure/function; Has not been previously published as pathogenic or benign to our knowledge

Ambry Genetics
Classification: Uncertain significance for Inborn genetic diseases. Last evaluated: 2023-12-13. Review status: criteria provided, single submitter. Criteria: Ambry Variant Classification Scheme 2023. Collection method: clinical testing. Allele origin: germline.

NM_001692.4(ATP6V1B1):c.1056C>A (p.Asn352Lys)

Gene: ATP6V1B1 (ATPase H+ transporting V1 subunit B1; plus strand). Cytogenetic location: 2p13.3.
Variant type: single nucleotide variant.
Coding change: c.1056C>A on transcript NM_001692.4 (MANE Select); coding-DNA position 1056, C replaced by A.
Protein change: p.Asn352Lys; replaces asparagine 352 with lysine.
Molecular consequence: missense variant.
Genome position (GRCh38, 1-based): chr2:70,963,308, C>A. VCF-style: chr2-70963308-C-A. GRCh37 (hg19) VCF-style: chr2-71190438-C-A.
Other names: short protein forms N352K.
Identifiers: ClinVar variation 3131890 (VCV003131890.2), dbSNP rs558227714, ClinGen allele CA1701232.